The following is an entry in ClinVar:

NM_000744.7(CHRNA4):c.228+10G>T

Gene: CHRNA4 (cholinergic receptor nicotinic alpha 4 subunit; minus strand). Cytogenetic location: 20q13.33.
Variant type: single nucleotide variant.
Coding change: c.228+10G>T on transcript NM_000744.7 (MANE Select); 10 bases into the intron after coding-DNA position 228, G replaced by T.
Molecular consequence: intron variant.
Genome position (GRCh38, 1-based): chr20:63,359,538, C>A on the plus strand (G>T on the coding strand, the complement: CHRNA4 is on the minus strand). VCF-style: chr20-63359538-C-A. GRCh37 (hg19) VCF-style: chr20-61990890-C-A.
Other names: c.-319+10G>T (NM_001256573.2).
Identifiers: ClinVar variation 1521595 (VCV001521595.8), dbSNP rs759148756, ClinGen allele CA9957937.

ClinVar aggregate classification (germline): Uncertain significance (1 of 4 stars; one submission).

Conditions:
Familial sleep-related hypermotor epilepsy. Also called: Autosomal Dominant Sleep-Related Hypermotor (Hyperkinetic) Epilepsy. Identifiers: Orphanet 98784, MedGen C3696898, MONDO:0000030.

Allele frequency attached by ClinVar (database versions not stated): gnomAD exomes 0.00002; ExAC 0.00002.
gnomAD v4.1: 4 of 1,612,622 alleles (0.00025%); highest among the groups gnomAD compares: Admixed American, 0.0067%; no homozygotes.

Submission:

Labcorp Genetics (formerly Invitae), Labcorp
Classification: Uncertain significance. Last evaluated: 2021-03-30. Review status: criteria provided, single submitter. Criteria: Invitae Variant Classification Sherloc (09022015). Collection method: clinical testing. Allele origin: germline.
Comment: Algorithms developed to predict the effect of sequence changes on RNA splicing suggest that this variant may create or strengthen a splice site, but this prediction has not been confirmed by published transcriptional studies. In summary, the available evidence is currently insufficient to determine the role of this variant in disease. Therefore, it has been classified as a Variant of Uncertain Significance. This variant has not been reported in the literature in individuals with CHRNA4-related conditions. This variant is present in population databases (rs759148756, ExAC 0.02%). This sequence change falls in intron 2 of the CHRNA4 gene. It does not directly change the encoded amino acid sequence of the CHRNA4 protein.